The following is an entry in ClinVar:

ClinVar aggregate classification (germline): Conflicting classifications of pathogenicity. Review status: criteria provided, conflicting classifications (1 of 4 stars). 16 submissions from 16 submitters: Uncertain significance (4); Likely benign (10). 2 of the submissions do not count toward it. Last evaluated 2026-05-01.

Conditions:
Inherited MMR deficiency (Lynch syndrome).
MSH6-related disorder. Also called: MSH6-related condition; MSH6-Related disorders.
Hereditary nonpolyposis colorectal neoplasms. Identifiers: MedGen C0009405, MeSH D003123.
Hereditary cancer-predisposing syndrome. Also called: Neoplastic Syndromes, Hereditary; Tumor predisposition; Hereditary neoplastic syndrome; Hereditary Cancer Syndrome. Identifiers: Orphanet 140162, MedGen C0027672, MeSH D009386, MONDO:0015356.
Lynch syndrome. Identifiers: Orphanet 144, MedGen C4552100, MONDO:0005835. Disease mechanism: loss of function.
Lynch syndrome 5 (LYNCH5). Also called: Colorectal cancer, hereditary nonpolyposis, type 5; Hereditary non-polyposis colorectal cancer, type 5. Identifiers: Orphanet 144, MedGen C1833477, MONDO:0013710, OMIM 614350. Disease mechanism: loss of function.

Allele frequency attached by ClinVar (database versions not stated): gnomAD 0.00004 and 0.00005; ExAC 0.00006; TOPMed 0.00011; 1000 Genomes Project 30x 0.00016; 1000 Genomes Project 0.00020.

Submissions (16):

Cambridge Genomics Laboratory, East Genomic Laboratory Hub, NHS Genomic Medicine Service
Classification: Uncertain significance for Inherited MMR deficiency (Lynch syndrome). Last evaluated: 2026-05-01. Review status: criteria provided, single submitter. Criteria: ACGS Best Practice Guidelines for Variant Classification in Rare Disease 2020. Collection method: clinical testing. Allele origin: germline. Affected: yes.

PreventionGenetics, part of Exact Sciences
Classification: Likely benign for MSH6-related condition. Last evaluated: 2026-02-18. Review status: criteria provided, single submitter. Criteria: ACMG Guidelines, 2015. Collection method: clinical testing. Allele origin: germline.
Comment: This variant is classified as likely benign based on ACMG/AMP sequence variant interpretation guidelines (Richards et al. 2015 PMID: 25741868, with internal and published modifications).

Labcorp Genetics (formerly Invitae), Labcorp
Classification: Likely benign for Hereditary nonpolyposis colorectal neoplasms. Last evaluated: 2026-01-31. Review status: criteria provided, single submitter. Criteria: Invitae Variant Classification Sherloc (09022015). Collection method: clinical testing. Allele origin: germline.

Women's Health and Genetics/Laboratory Corporation of America, LabCorp
Classification: Likely benign. Last evaluated: 2025-09-09. Review status: criteria provided, single submitter. Criteria: LabCorp Variant Classification Summary - May 2015. Collection method: clinical testing. Allele origin: germline.
Comment: Variant summary: MSH6 c.3801+5G>A alters a conserved nucleotide located close to a canonical splice site and therefore could affect mRNA splicing, leading to a significantly altered protein sequence. Several computational tools predict a significant impact on normal splicing: One predict the variant weakens a 5' donor site. Three predict the variant abolishes a 5 splicing donor site. However, RNA studies demonstrate this variant has no abnormal splicing (Karam_2019). The variant allele was found at a frequency of 8.8e-05 in 251178 control chromosomes, predominantly at a frequency of 0.00017 within the Latino subpopulation in the gnomAD database. c.3801+5G>A has been observed in individuals affected with breast cancer, colorectal cancer, Lynch Syndrome as well as in healthy individuals and also as a VUS in settings of multigene panel testing (e.g., Shirts_2016, Tung_2016, Yorczyk_2015, Yurgelun_2017, Karam_2019, de Oliveira_2022). These report(s) do not provide unequivocal conclusions about association of the variant with Hereditary Nonpolyposis Colorectal Cancer/Lynch syndrome. At least two co-occurrences with other pathogenic variant(s) have been observed at our laboratory (RB1 c.1399C>T, p.Arg467X; BRCA1 c.2411_2412delAG, p.Gln804LeufsX5), providing supporting evidence for a benign role. To our knowledge, no experimental evidence demonstrating an impact on protein function has been reported. The following publications have been ascertained in the context of this evaluation (PMID: 25318351, 26845104, 26976419, 28135145, 31642931, 34445333, 35534704). ClinVar contains an entry for this variant (Variation ID: 186876). Based on the evidence outlined above, the variant was classified as likely benign.

Myriad Genetics, Inc.
Classification: Likely benign for Lynch syndrome 5. Last evaluated: 2025-01-08. Review status: criteria provided, single submitter. Criteria: Myriad Autosomal Dominant, Autosomal Recessive and X-Linked Classification Criteria (2023). Collection method: clinical testing. Allele origin: unknown.
Comment: This variant is considered likely benign. This variant is intronic and is not expected to impact mRNA splicing. This variant is strongly associated with less severe personal and family histories of cancer, typical for individuals without pathogenic variants in this gene [PMID: 27363726].

All of Us Research Program, National Institutes of Health
Classification: Likely benign for Lynch syndrome. Last evaluated: 2024-09-23. Review status: criteria provided, single submitter. Criteria: ACMG Guidelines, 2015. Collection method: clinical testing. Allele origin: germline. Inheritance: Autosomal dominant inheritance. Observed: 35 variant alleles, 35 heterozygotes.
Comment: This study involves interpretation of variants in research participants for the purpose of population health screening. Participant phenotype was not available at the time of variant classification. Additional details can be found in publication PMID: 35346344, PMCID: PMC8962531

Blueprint Genetics
Classification: Uncertain significance. Last evaluated: 2024-09-13. Review status: criteria provided, single submitter. Criteria: ACMG Guidelines, 2015. Collection method: clinical testing. Allele origin: germline.

Sema4
Classification: Uncertain significance for Hereditary cancer-predisposing syndrome. Last evaluated: 2021-10-22. Review status: criteria provided, single submitter. Criteria: Sema4 Curation Guidelines. Collection method: curation. Allele origin: germline.
Comment: The MSH6 c.3801+5G>A variant has been reported in heterozygosity in at least one individual with colorectal cancer and two individuals with breast cancer (PMID: 28135145, 26976419, 26845104). An RNA study reported that the variant does not affect splicing (PMID: 31642931). This variant was observed in 5/10078 chromosomes of the Ashkenazi Jewish subpopulation in the large and broad cohorts of the Genome Aggregation Database (PMID: 32461654). The variant has been reported in ClinVar (Variation ID 186876). The evidence is insufficient to meet ACMG/AMP criteria for classifying the variant as benign or pathogenic. Thus, the clinical significance of this variant is currently uncertain.

Quest Diagnostics Nichols Institute San Juan Capistrano
Classification: Likely benign. Last evaluated: 2021-01-30. Review status: criteria provided, single submitter. Criteria: Quest Diagnostics criteria. Collection method: clinical testing. Allele origin: unknown.

GeneDx
Classification: Likely benign. Last evaluated: 2019-10-16. Review status: criteria provided, single submitter. Criteria: GeneDx Variant Classification Process June 2021. Collection method: clinical testing. Allele origin: germline. Affected: yes.
Comment: In silico analysis, which includes splice predictors and evolutionary conservation, is inconclusive as to whether the variant alters gene splicing. In the absence of RNA/functional studies, the actual effect of this sequence change is unknown.; Observed in individuals with colorectal and breast cancers (Shirts 2016, Tung 2016, Yurgelun 2017); This variant is associated with the following publications: (PMID: 28135145, 31642931, 25318351, 26976419, 26845104)

Ambry Genetics
Classification: Likely benign for Hereditary cancer-predisposing syndrome. Last evaluated: 2019-01-24. Review status: criteria provided, single submitter. Criteria: Ambry Variant Classification Scheme 2023. Collection method: clinical testing. Allele origin: germline.

Illumina Laboratory Services, Illumina
Classification: Uncertain significance for Lynch syndrome 5. Last evaluated: 2018-01-13. Review status: criteria provided, single submitter. Criteria: ICSL Variant Classification Criteria 13 December 2019. Collection method: clinical testing. Allele origin: germline.

Color Diagnostics, LLC DBA Color Health
Classification: Likely benign for Hereditary cancer-predisposing syndrome. Last evaluated: 2016-12-21. Review status: criteria provided, single submitter. Criteria: ACMG Guidelines, 2015. Collection method: clinical testing. Allele origin: germline.

University of Washington Department of Laboratory Medicine, University of Washington
Classification: Likely benign for Hereditary nonpolyposis colon cancer. Last evaluated: 2016-12-20. Review status: criteria provided, single submitter. Criteria: Shirts et al. (Genet Med 2016). Collection method: clinical testing. Allele origin: germline. Affected: yes. Observed: 1 variant allele. Segregation with disease not observed.
Comment: Communication from other laboratories about other patients with this variant and no family history of colorectal cancer. Splicing anlaysis indicates 95% full length product.

Counsyl
Classification: Uncertain significance for Lynch syndrome 5. Last evaluated: 2016-09-07. Review status: no assertion criteria provided. Collection method: clinical testing. Allele origin: unknown. Not counted in ClinVar's aggregate classification.

Department of Pathology and Laboratory Medicine, Sinai Health System
Classification: Uncertain significance. Review status: no assertion criteria provided. Collection method: clinical testing. Allele origin: unknown. Affected: yes. Observed: 1 variant allele. Study: The Canadian Open Genetics Repository (COGR). Not counted in ClinVar's aggregate classification.
Comment: The MSH6 c.3801+5G>A variant was identified in 3 of 4640 proband chromosomes (frequency: 0.0006) from individuals or families with breast, ovarian or colon cancer (Shirts 2016, Yorczyk 2014, Tung 2016). The variant was also identified in the following databases: dbSNP (ID: rs201080919) as â€šÃ„ÃºWith other alleleâ€šÃ„Ã¹ and ClinVar (2x as likely benign by Ambry Genetics and University of Washington, 5x as uncertain significance by Invitae, GeneDx, Counsyl, Integrated Genetics, Illumina Clinical services) The variant was not identified in COGR, Cosmic, MutDB, UMD-LSDB, Zhejiang Colon Cancer Database, or Insight Hereditary Tumors Database. The variant was identified in control databases in 22 of 245988 chromosomes at a frequency of 0.00009 increasing the likelihood this could be a low frequency variant (Genome Aggregation Database Feb 27, 2017). The variant was observed in the following populations: Other in 1 of 5476 chromosomes (freq: 0.0002), Latino in 7 of 33544 chromosomes (freq: 0.0002), European Non-Finnish in 9 of 111508 chromosomes (freq: 0.00008), Ashkenazi Jewish in 5 of 9848 chromosomes (freq: 0.0005), while the variant was not observed in the African, East Asian, European Finnish, or South Asian populations. The c.3801+5G>A variant is located in the 5' splice region but does not affect the invariant +1 and +2 positions. However, positions +3 to +6 are part of the splicing consensus sequence and variants involving these positions sometimes affect splicing. In addition, 4 of 4 in silico or computational prediction software programs (SpliceSiteFinder, MaxEntScan, NNSPLICE, GeneSplicer) predict a greater than 10% difference in splicing. In summary, based on the above information the clinical significance of this variant cannot be determined with certainty at this time. This variant is classified as a variant of uncertain significance.

Literature cited by the submitters: PubMed 25318351 (cited by 3 submitters); PubMed 26845104 (cited by 3 submitters); PubMed 26976419 (cited by 4 submitters); PubMed 28135145 (cited by 3 submitters); PubMed 31642931 (cited by 3 submitters); PubMed 34445333 (cited by Women's Health and Genetics/Laboratory Corporation of America, LabCorp); PubMed 35534704 (cited by Women's Health and Genetics/Laboratory Corporation of America, LabCorp); PubMed 27363726 (cited by Myriad Genetics, Inc.).

NM_000179.3(MSH6):c.3801+5G>A

Gene: MSH6 (mutS homolog 6; plus strand). Cytogenetic location: 2p16.3.
Variant type: single nucleotide variant.
Coding change: c.3801+5G>A on transcript NM_000179.3 (MANE Select); 5 bases into the intron after coding-DNA position 3801, G replaced by A.
Molecular consequence: intron variant.
Genome position (GRCh38, 1-based): chr2:47,806,363, G>A. VCF-style: chr2-47806363-G-A. GRCh37 (hg19) VCF-style: chr2-48033502-G-A.
Other names: c.2895+5G>A (NM_001281493.2, NM_001281494.2); c.3411+5G>A (NM_001281492.2).
Identifiers: ClinVar variation 186876 (VCV000186876.45), dbSNP rs201080919, ClinGen allele CA014374.